The following is an entry in ClinVar:

ClinVar aggregate classification (germline): Likely pathogenic (1 of 4 stars; one submission).

Submission:

Labcorp Genetics (formerly Invitae), Labcorp
Classification: Likely pathogenic. Last evaluated: 2022-02-27. Review status: criteria provided, single submitter. Criteria: Invitae Variant Classification Sherloc (09022015). Collection method: clinical testing. Allele origin: germline.
Comment: In summary, the currently available evidence indicates that the variant is pathogenic, but additional data are needed to prove that conclusively. Therefore, this variant has been classified as Likely Pathogenic. Algorithms developed to predict the effect of sequence changes on RNA splicing suggest that this variant may disrupt the consensus splice site. This variant has not been reported in the literature in individuals affected with LRP2-related conditions. This variant is not present in population databases (gnomAD no frequency). This sequence change affects a donor splice site in intron 67 of the LRP2 gene. It is expected to disrupt RNA splicing. Variants that disrupt the donor or acceptor splice site typically lead to a loss of protein function (PMID: 16199547), and loss-of-function variants in LRP2 are known to be pathogenic (PMID: 17632512, 25682901).

Literature cited by the submitters: PubMed 16199547; PubMed 17632512; PubMed 25682901.

NM_004525.3(LRP2):c.12461+1G>A

Gene: LRP2 (LDL receptor related protein 2; minus strand). Cytogenetic location: 2q31.1.
Variant type: single nucleotide variant.
Coding change: c.12461+1G>A on transcript NM_004525.3 (MANE Select); the canonical splice donor site of the intron after coding-DNA position 12461, G replaced by A.
Molecular consequence: splice donor variant.
Genome position (GRCh38, 1-based): chr2:169,152,798, C>T on the plus strand (G>A on the coding strand, the complement: LRP2 is on the minus strand). VCF-style: chr2-169152798-C-T. GRCh37 (hg19) VCF-style: chr2-170009308-C-T.
Identifiers: ClinVar variation 2103881 (VCV002103881.4), dbSNP rs1686193080, ClinGen allele CA349134644.